The following is an entry in ClinVar:

NM_006623.4(PHGDH):c.1534T>G (p.Ser512Ala)

Gene: PHGDH (phosphoglycerate dehydrogenase; plus strand). Cytogenetic location: 1p12.
Variant type: single nucleotide variant.
Coding change: c.1534T>G on transcript NM_006623.4 (MANE Select); coding-DNA position 1534, T replaced by G.
Protein change: p.Ser512Ala; replaces serine 512 with alanine.
Molecular consequence: missense variant.
Genome position (GRCh38, 1-based): chr1:119,743,972, T>G. VCF-style: chr1-119743972-T-G. GRCh37 (hg19) VCF-style: chr1-120286595-T-G.
Other names: c.1534T>G (NM_006623.3); short protein forms S512A.
Identifiers: ClinVar variation 1422796 (VCV001422796.5), dbSNP rs375098288, ClinGen allele CA1037482.

ClinVar aggregate classification (germline): Uncertain significance. Review status: criteria provided, multiple submitters, no conflicts (2 of 4 stars). 4 submissions from 3 submitters: Uncertain significance (4). Last evaluated 2024-10-14.

Conditions:
Neu-Laxova syndrome 1 (NLS1). Identifiers: Orphanet 2671, Orphanet 583607, MedGen C4551478, MONDO:0009736, OMIM 256520. Disease mechanism: loss of function.
PHGDH deficiency. Identifiers: Orphanet 79351, MedGen C1866174, MONDO:0011152, OMIM 601815.

Allele frequency attached by ClinVar (database versions not stated): gnomAD 0.00001; gnomAD exomes 0.00002; ExAC 0.00005; ESP Exome Variant Server 0.00008.
gnomAD v4.1: 26 of 1,613,472 alleles (0.0016%); highest among the groups gnomAD compares: Non-Finnish European, 0.0019%; no homozygotes.

Submissions (4):

Labcorp Genetics (formerly Invitae), Labcorp
Classification: Uncertain significance for PHGDH deficiency. Last evaluated: 2024-10-14. Review status: criteria provided, single submitter. Criteria: Invitae Variant Classification Sherloc (09022015). Collection method: clinical testing. Allele origin: germline.
Comment: This sequence change replaces serine, which is neutral and polar, with alanine, which is neutral and non-polar, at codon 512 of the PHGDH protein (p.Ser512Ala). This variant is present in population databases (rs375098288, gnomAD 0.006%). This variant has not been reported in the literature in individuals affected with PHGDH-related conditions. ClinVar contains an entry for this variant (Variation ID: 1422796). Invitae Evidence Modeling of protein sequence and biophysical properties (such as structural, functional, and spatial information, amino acid conservation, physicochemical variation, residue mobility, and thermodynamic stability) has been performed for this missense variant. However, the output from this modeling did not meet the statistical confidence thresholds required to predict the impact of this variant on PHGDH protein function. In summary, the available evidence is currently insufficient to determine the role of this variant in disease. Therefore, it has been classified as a Variant of Uncertain Significance.

Genome-Nilou Lab
Classification: Uncertain significance for Neu-Laxova syndrome 1. Last evaluated: 2023-04-11. Review status: criteria provided, single submitter. Criteria: ACMG Guidelines, 2015. Collection method: clinical testing. Allele origin: germline. Affected: no.

Genome-Nilou Lab
Classification: Uncertain significance for PHGDH deficiency. Last evaluated: 2023-04-11. Review status: criteria provided, single submitter. Criteria: ACMG Guidelines, 2015. Collection method: clinical testing. Allele origin: germline. Affected: no.

GeneDx
Classification: Uncertain significance. Last evaluated: 2023-03-30. Review status: criteria provided, single submitter. Criteria: GeneDx Variant Classification Process June 2021. Collection method: clinical testing. Allele origin: germline. Affected: yes.
Comment: Not observed at significant frequency in large population cohorts (gnomAD); In silico analysis supports that this missense variant does not alter protein structure/function; Has not been previously published as pathogenic or benign to our knowledge